The following is an entry in ClinVar:

ClinVar aggregate classification (germline): Uncertain significance (1 of 4 stars; one submission).

Conditions:
Hereditary breast ovarian cancer syndrome. Also called: Hereditary breast and ovarian cancer syndrome; Hereditary breast and/or ovarian cancer syndrome; Hereditary breast and ovarian cancer; Breast and ovarian cancer; Hereditary breast and ovarian cancer syndrome (HBOC); BRCA1- and BRCA2-Associated Hereditary Breast and Ovarian Cancer. Identifiers: Orphanet 145, MedGen C0677776, MeSH D061325, MONDO:0003582. Disease mechanism: loss of function.

Submission:

Labcorp Genetics (formerly Invitae), Labcorp
Classification: Uncertain significance for Hereditary breast ovarian cancer syndrome. Last evaluated: 2021-07-01. Review status: criteria provided, single submitter. Criteria: Invitae Variant Classification Sherloc (09022015). Collection method: clinical testing. Allele origin: germline.
Comment: This variant, c.3917_3919del, results in the deletion of 1 amino acid(s) of the BRCA2 protein (p.Val1306del), but otherwise preserves the integrity of the reading frame. This variant is not present in population databases (ExAC no frequency). This variant has not been reported in the literature in individuals affected with BRCA2-related conditions. Experimental studies and prediction algorithms are not available or were not evaluated, and the functional significance of this variant is currently unknown. In summary, the available evidence is currently insufficient to determine the role of this variant in disease. Therefore, it has been classified as a Variant of Uncertain Significance.

NM_000059.4(BRCA2):c.3914TTG[1] (p.Val1306del)

Gene: BRCA2 (BRCA2 DNA repair associated; plus strand). Cytogenetic location: 13q13.1.
Variant type: Microsatellite.
Coding change: c.3914TTG[1] on transcript NM_000059.4 (MANE Select); one copy of the 3-base unit TTG starting at c.3914; the reference has two copies in a row; one copy, 3 bases deleted.
Protein change: p.Val1306del; deletes valine 1306.
Molecular consequence: inframe deletion.
Genome position (GRCh38, 1-based): chr13:32,338,272-32,338,274, TTG deleted; deleting any 3 consecutive bases within chr13:32,338,269-32,338,274 gives the same sequence; the position shown is the placement nearest the transcript's 3' end. VCF-style (leftmost placement, unchanged base first): chr13-32338268-TTTG-T. GRCh37 (hg19) VCF-style: chr13-32912405-TTTG-T.
Other names: short protein forms V1306del.
Identifiers: ClinVar variation 1425390 (VCV001425390.8), dbSNP rs2137501220, ClinGen allele CA2580614667.
Genomic context (GRCh38, chr13:32,338,268, plus strand): 5'-GAAAAAAATAATAAATGCCAACTGATATTACAAAATAATATTGAAATGACTACTGGCACT[TTTG>T]TTGAAGAAATTACTGAAAATTACAAGAGAAATACTGAAAATGAAGATAACAAATATACTG-3'